The following is an entry in ClinVar:

NM_001330588.2(TPP2):c.3208G>A (p.Val1070Ile)

Gene: TPP2 (tripeptidyl peptidase 2; plus strand). Cytogenetic location: 13q33.1.
Variant type: single nucleotide variant.
Coding change: c.3208G>A on transcript NM_001330588.2 (MANE Select); coding-DNA position 3208, G replaced by A.
Protein change: p.Val1070Ile; replaces valine 1070 with isoleucine.
Molecular consequence: missense variant. On other transcripts: non-coding transcript variant (1).
Genome position (GRCh38, 1-based): chr13:102,663,712, G>A. VCF-style: chr13-102663712-G-A. GRCh37 (hg19) VCF-style: chr13-103316062-G-A.
Other names: c.3208G>A, p.Val1070Ile (LRG_1341t1); c.3169G>A, p.Val1057Ile (NM_001367947.1, NM_003291.4); short protein forms V1057I, V1070I.
Identifiers: ClinVar variation 662616 (VCV000662616.5), dbSNP rs373674738, ClinGen allele CA7038216.

ClinVar aggregate classification (germline): Uncertain significance. Review status: criteria provided, multiple submitters, no conflicts (2 of 4 stars). 3 submissions from 3 submitters: Uncertain significance (3). Last evaluated 2022-06-05.

Conditions:
Inborn genetic diseases. Identifiers: MedGen C0950123, MeSH D030342.
Evans syndrome, immunodeficiency, and premature immunosenescence associated with tripeptidyl-peptidase II deficiency. Identifiers: MedGen CN231723. Disease mechanism: loss of function.

Allele frequency attached by ClinVar (database versions not stated): TOPMed 0.00005; ExAC 0.00006; gnomAD 0.00006 and 0.00007; ESP Exome Variant Server 0.00008; gnomAD exomes 0.00008.
gnomAD v4.1: 94 of 1,604,846 alleles (0.0059%); highest among the groups gnomAD compares: Middle Eastern, 0.033%; 2 homozygotes.

Submissions (3):

Labcorp Genetics (formerly Invitae), Labcorp
Classification: Uncertain significance for Evans syndrome, immunodeficiency, and premature immunosenescence associated with tripeptidyl-peptidase II deficiency. Last evaluated: 2022-06-05. Review status: criteria provided, single submitter. Criteria: Invitae Variant Classification Sherloc (09022015). Collection method: clinical testing. Allele origin: germline.
Comment: This sequence change replaces valine, which is neutral and non-polar, with isoleucine, which is neutral and non-polar, at codon 1057 of the TPP2 protein (p.Val1057Ile). This variant is present in population databases (rs373674738, gnomAD 0.05%). This variant has not been reported in the literature in individuals affected with TPP2-related conditions. ClinVar contains an entry for this variant (Variation ID: 662616). Algorithms developed to predict the effect of missense changes on protein structure and function (SIFT, PolyPhen-2, Align-GVGD) all suggest that this variant is likely to be tolerated. In summary, the available evidence is currently insufficient to determine the role of this variant in disease. Therefore, it has been classified as a Variant of Uncertain Significance.

Ambry Genetics
Classification: Uncertain significance for Inborn genetic diseases. Last evaluated: 2022-05-09. Review status: criteria provided, single submitter. Criteria: Ambry Variant Classification Scheme 2023. Collection method: clinical testing. Allele origin: germline.

Breakthrough Genomics
Classification: Uncertain significance. Review status: criteria provided, single submitter. Criteria: ACMG Guidelines, 2015. Collection method: not provided. Allele origin: germline. Inheritance: Autosomal recessive inheritance. Affected: yes.